The following is an entry in ClinVar:

NM_018127.7(ELAC2):c.297-3T>A

Gene: ELAC2 (elaC ribonuclease Z 2; minus strand). Cytogenetic location: 17p12.
Variant type: single nucleotide variant.
Coding change: c.297-3T>A on transcript NM_018127.7 (MANE Select); 3 bases into the intron before coding-DNA position 297, T replaced by A.
Molecular consequence: intron variant.
Genome position (GRCh38, 1-based): chr17:13,016,935, A>T on the plus strand (T>A on the coding strand, the complement: ELAC2 is on the minus strand). VCF-style: chr17-13016935-A-T. GRCh37 (hg19) VCF-style: chr17-12920252-A-T.
Other names: c.297-3T>A (NM_001165962.2, NM_173717.2).
Identifiers: ClinVar variation 2131936 (VCV002131936.4), dbSNP rs1249002907, ClinGen allele CA2580092573.

ClinVar aggregate classification (germline): Uncertain significance (1 of 4 stars; one submission).

Conditions:
Combined oxidative phosphorylation defect type 17. Also called: Combined oxidative phosphorylation deficiency 17. Identifiers: Orphanet 369913, MedGen C3809526, MONDO:0014190, OMIM 615440.

Submission:

Labcorp Genetics (formerly Invitae), Labcorp
Classification: Uncertain significance for Combined oxidative phosphorylation defect type 17. Last evaluated: 2022-04-29. Review status: criteria provided, single submitter. Criteria: Invitae Variant Classification Sherloc (09022015). Collection method: clinical testing. Allele origin: germline.
Comment: This sequence change falls in intron 2 of the ELAC2 gene. It does not directly change the encoded amino acid sequence of the ELAC2 protein. It affects a nucleotide within the consensus splice site. This variant is not present in population databases (gnomAD no frequency). This variant has not been reported in the literature in individuals affected with ELAC2-related conditions. Variants that disrupt the consensus splice site are a relatively common cause of aberrant splicing (PMID: 17576681, 9536098). Algorithms developed to predict the effect of sequence changes on RNA splicing suggest that this variant is not likely to affect RNA splicing. In summary, the available evidence is currently insufficient to determine the role of this variant in disease. Therefore, it has been classified as a Variant of Uncertain Significance.

Literature cited by the submitters: PubMed 17576681; PubMed 9536098.